The following is an entry in ClinVar:

NM_000540.3(RYR1):c.11707C>T (p.Arg3903Trp)

Gene: RYR1 (ryanodine receptor 1; plus strand). Cytogenetic location: 19q13.2.
Variant type: single nucleotide variant.
Coding change: c.11707C>T on transcript NM_000540.3 (MANE Select); coding-DNA position 11707, C replaced by T.
Protein change: p.Arg3903Trp; replaces arginine 3903 with tryptophan.
Molecular consequence: missense variant.
Genome position (GRCh38, 1-based): chr19:38,543,364, C>T. VCF-style: chr19-38543364-C-T. GRCh37 (hg19) VCF-style: chr19-39034004-C-T.
Other names: c.11692C>T, p.Arg3898Trp (NM_001042723.2); short protein forms R3898W, R3903W.
Identifiers: ClinVar variation 4745830 (VCV004745830.1).

ClinVar aggregate classification (germline): Uncertain significance (1 of 4 stars; one submission).

Conditions:
RYR1-related disorder. Also called: RYR1-related condition; RYR1-related disorders. Identifiers: MedGen CN239331.

gnomAD v4.1: 3 of 1,614,184 alleles (0.00019%); highest among the groups gnomAD compares: South Asian, 0.0033%; no homozygotes.

Submission:

Labcorp Genetics (formerly Invitae), Labcorp
Classification: Uncertain significance for RYR1-related disorder. Last evaluated: 2026-02-01. Review status: criteria provided, single submitter. Criteria: Invitae Variant Classification Sherloc (09022015). Collection method: clinical testing. Allele origin: germline.
Comment: This sequence change replaces arginine, which is basic and polar, with tryptophan, which is neutral and slightly polar, at codon 3903 of the RYR1 protein (p.Arg3903Trp). This variant is present in population databases (no rsID available, gnomAD 0.006%). This missense change has been observed in individual(s) with congenital myopathy (PMID: 33124102; internal data). In at least one individual the data is consistent with being in trans (on the opposite chromosome) from a pathogenic variant. Invitae Evidence Modeling of protein sequence and biophysical properties (such as structural, functional, and spatial information, amino acid conservation, physicochemical variation, residue mobility, and thermodynamic stability) has been performed for this missense variant. However, the output from this modeling did not meet the statistical confidence thresholds required to predict the impact of this variant on RYR1 protein function. This variant disrupts the p.Arg3903 amino acid residue in RYR1. Other variant(s) that disrupt this residue have been observed in individuals with RYR1-related conditions (PMID: 33124102, 35428369), which suggests that this may be a clinically significant amino acid residue. In summary, the available evidence is currently insufficient to determine the role of this variant in disease. Therefore, it has been classified as a Variant of Uncertain Significance.

Literature cited by the submitters: PubMed 33124102; PubMed 35428369.